The following is an entry in ClinVar:

NM_007357.3(COG2):c.1279AGG[1] (p.Arg428del)

Gene: COG2 (component of oligomeric golgi complex 2; plus strand). Cytogenetic location: 1q42.2.
Variant type: Microsatellite.
Coding change: c.1279AGG[1] on transcript NM_007357.3 (MANE Select); one copy of the 3-base unit AGG starting at c.1279; the reference has two copies in a row; one copy, 3 bases deleted.
Protein change: p.Arg428del; deletes arginine 428.
Genome position (GRCh38, 1-based): chr1:230,685,138-230,685,140, AGG deleted; deleting any 3 consecutive bases within chr1:230,685,135-230,685,140 gives the same sequence; the position shown is the placement nearest the transcript's 3' end. VCF-style (leftmost placement, unchanged base first): chr1-230685134-TAGG-T. GRCh37 (hg19) VCF-style: chr1-230820880-TAGG-T.
Other names: c.1279AGG[1], p.Arg428del (NM_001145036.2); short protein forms R428del.
Identifiers: ClinVar variation 4085417 (VCV004085417.8).

ClinVar aggregate classification (germline): Likely pathogenic (1 of 4 stars; one submission).

Submission:

CeGaT Center for Human Genetics Tuebingen
Classification: Likely pathogenic. Last evaluated: 2025-09-01. Review status: criteria provided, single submitter. Criteria: CeGaT Center For Human Genetics Tuebingen Variant Classification Criteria Version 2. Collection method: clinical testing. Allele origin: germline. Affected: yes. Observed: 4 variant alleles.
Comment: COG2: PM2, PP4:Moderate, PM3:Supporting, PM4:Supporting